The following is an entry in ClinVar:

ClinVar aggregate classification (germline): Uncertain significance (1 of 4 stars; one submission).

Allele frequency attached by ClinVar (database versions not stated): ExAC 0.00007; ESP Exome Variant Server 0.00015; gnomAD 0.00015; TOPMed 0.00015; 1000 Genomes Project 30x 0.00031; 1000 Genomes Project 0.00040.
gnomAD v4.1: 71 of 1,610,760 alleles (0.0044%); highest among the groups gnomAD compares: African/African-American, 0.036%; no homozygotes.

Submission:

Labcorp Genetics (formerly Invitae), Labcorp
Classification: Uncertain significance. Last evaluated: 2025-11-23. Review status: criteria provided, single submitter. Criteria: Invitae Variant Classification Sherloc (09022015). Collection method: clinical testing. Allele origin: germline.
Comment: This sequence change replaces alanine, which is neutral and non-polar, with threonine, which is neutral and polar, at codon 439 of the LZTS1 protein (p.Ala439Thr). This variant is present in population databases (rs141716809, gnomAD 0.03%). This variant has not been reported in the literature in individuals affected with LZTS1-related conditions. ClinVar contains an entry for this variant (Variation ID: 2175027). Invitae Evidence Modeling of protein sequence and biophysical properties (such as structural, functional, and spatial information, amino acid conservation, physicochemical variation, residue mobility, and thermodynamic stability) indicates that this missense variant is not expected to disrupt LZTS1 protein function with a negative predictive value of 80%. In summary, the available evidence is currently insufficient to determine the role of this variant in disease. Therefore, it has been classified as a Variant of Uncertain Significance.

NM_021020.5(LZTS1):c.1315G>A (p.Ala439Thr)

Gene: LZTS1 (leucine zipper tumor suppressor 1; minus strand). Cytogenetic location: 8p21.3.
Variant type: single nucleotide variant.
Coding change: c.1315G>A on transcript NM_021020.5 (MANE Select); coding-DNA position 1315, G replaced by A.
Protein change: p.Ala439Thr; replaces alanine 439 with threonine.
Molecular consequence: missense variant.
Genome position (GRCh38, 1-based): chr8:20,250,198, C>T on the plus strand (G>A on the coding strand, the complement: LZTS1 is on the minus strand). VCF-style: chr8-20250198-C-T. GRCh37 (hg19) VCF-style: chr8-20107709-C-T.
Other names: c.1315G>A, p.Ala439Thr (NM_001362884.2); short protein forms A439T.
Identifiers: ClinVar variation 2175027 (VCV002175027.4), dbSNP rs141716809, ClinGen allele CA4657306.